The following is an entry in ClinVar:

NM_002637.4(PHKA1):c.1607A>G (p.Asn536Ser)

Gene: PHKA1 (phosphorylase kinase regulatory subunit alpha 1; minus strand). Cytogenetic location: Xq13.1.
Variant type: single nucleotide variant.
Coding change: c.1607A>G on transcript NM_002637.4 (MANE Select); coding-DNA position 1607, A replaced by G.
Protein change: p.Asn536Ser; replaces asparagine 536 with serine.
Molecular consequence: missense variant.
Genome position (GRCh38, 1-based): chrX:72,635,262, T>C on the plus strand (A>G on the coding strand, the complement: PHKA1 is on the minus strand). VCF-style: chrX-72635262-T-C. GRCh37 (hg19) VCF-style: chrX-71855112-T-C.
Other names: c.1607A>G, p.Asn536Ser (NM_001122670.2, NM_001172436.2, NM_001431068.1 and 2 more transcripts); short protein forms N536S.
Identifiers: ClinVar variation 4742454 (VCV004742454.1).

ClinVar aggregate classification (germline): Uncertain significance (1 of 4 stars; one submission).

Conditions:
Glycogen storage disease IXd (GSD9D). Also called: Muscle Phosphorylase Kinase Deficiency; GSD IXd. Identifiers: Orphanet 715, MedGen C1845151, MONDO:0010362, OMIM 300559.

Submission:

Labcorp Genetics (formerly Invitae), Labcorp
Classification: Uncertain significance for Glycogen storage disease IXd. Last evaluated: 2025-05-13. Review status: criteria provided, single submitter. Criteria: Invitae Variant Classification Sherloc (09022015). Collection method: clinical testing. Allele origin: germline.
Comment: This sequence change replaces asparagine, which is neutral and polar, with serine, which is neutral and polar, at codon 536 of the PHKA1 protein (p.Asn536Ser). This variant is not present in population databases (gnomAD no frequency). This variant has not been reported in the literature in individuals affected with PHKA1-related conditions. Invitae Evidence Modeling of protein sequence and biophysical properties (such as structural, functional, and spatial information, amino acid conservation, physicochemical variation, residue mobility, and thermodynamic stability) indicates that this missense variant is not expected to disrupt PHKA1 protein function with a negative predictive value of 80%. In summary, the available evidence is currently insufficient to determine the role of this variant in disease. Therefore, it has been classified as a Variant of Uncertain Significance.